The following is an entry in ClinVar:

ClinVar aggregate classification (germline): Uncertain significance. Review status: criteria provided, multiple submitters, no conflicts (2 of 4 stars). 3 submissions from 3 submitters: Uncertain significance (3). Last evaluated 2025-01-13.

Conditions:
Inborn genetic diseases. Identifiers: MedGen C0950123, MeSH D030342.

Allele frequency attached by ClinVar (database versions not stated): ExAC 0.00001; gnomAD 0.00001; TOPMed 0.00002; gnomAD exomes 0.00003 and 0.00009.
gnomAD v4.1: 136 of 1,613,420 alleles (0.0084%); highest among the groups gnomAD compares: Non-Finnish European, 0.011%; no homozygotes.

Submissions (3):

Labcorp Genetics (formerly Invitae), Labcorp
Classification: Uncertain significance. Last evaluated: 2025-01-13. Review status: criteria provided, single submitter. Criteria: Invitae Variant Classification Sherloc (09022015). Collection method: clinical testing. Allele origin: germline.
Comment: This sequence change replaces isoleucine, which is neutral and non-polar, with leucine, which is neutral and non-polar, at codon 445 of the GRM6 protein (p.Ile445Leu). This variant is present in population databases (rs757832797, gnomAD 0.006%). This variant has not been reported in the literature in individuals affected with GRM6-related conditions. ClinVar contains an entry for this variant (Variation ID: 1417624). Invitae Evidence Modeling of protein sequence and biophysical properties (such as structural, functional, and spatial information, amino acid conservation, physicochemical variation, residue mobility, and thermodynamic stability) indicates that this missense variant is not expected to disrupt GRM6 protein function with a negative predictive value of 95%. In summary, the available evidence is currently insufficient to determine the role of this variant in disease. Therefore, it has been classified as a Variant of Uncertain Significance.

Ambry Genetics
Classification: Uncertain significance for Inborn genetic diseases. Last evaluated: 2023-06-22. Review status: criteria provided, single submitter. Criteria: Ambry Variant Classification Scheme 2023. Collection method: clinical testing. Allele origin: germline.

Blueprint Genetics
Classification: Uncertain significance. Last evaluated: 2022-03-14. Review status: criteria provided, single submitter. Criteria: ACMG Guidelines, 2015. Collection method: clinical testing. Allele origin: germline.

NM_000843.4(GRM6):c.1333A>C (p.Ile445Leu)

Genes: GRM6 (glutamate metabotropic receptor 6; minus strand), ZNF454 (zinc finger protein 454; plus strand). Cytogenetic location: 5q35.3.
Variant type: single nucleotide variant.
Coding change: c.1333A>C on transcript NM_000843.4 (MANE Select); coding-DNA position 1333, A replaced by C.
Protein change: p.Ile445Leu; replaces isoleucine 445 with leucine.
Molecular consequence: missense variant.
Genome position (GRCh38, 1-based): chr5:178,988,956, T>G on the plus strand (A>C on the coding strand, the complement: GRM6 is on the minus strand). VCF-style: chr5-178988956-T-G. GRCh37 (hg19) VCF-style: chr5-178415957-T-G.
Other names: c.1333A>C (NM_000843.3); short protein forms I445L.
Identifiers: ClinVar variation 1417624 (VCV001417624.10), dbSNP rs757832797, ClinGen allele CA3594123.